The following is an entry in ClinVar:

NM_017934.7(PHIP):c.183G>A (p.Gln61=)

Genes: PHIP (PHIP subunit of CUL4-Ring ligase complex; minus strand), LOC129996744 (ATAC-STARR-seq lymphoblastoid silent region 17345; plus strand). Cytogenetic location: 6q14.1.
Variant type: single nucleotide variant.
Coding change: c.183G>A on transcript NM_017934.7 (MANE Select); coding-DNA position 183, G replaced by A.
Protein change: p.Gln61=; no amino-acid change (glutamine 61 retained).
Molecular consequence: synonymous variant.
Genome position (GRCh38, 1-based): chr6:79,077,454, C>T on the plus strand (G>A on the coding strand, the complement: PHIP is on the minus strand). VCF-style: chr6-79077454-C-T. GRCh37 (hg19) VCF-style: chr6-79787171-C-T.
Identifiers: ClinVar variation 3355432 (VCV003355432.2).

ClinVar aggregate classification (germline): Likely benign. Review status: criteria provided, single submitter (1 of 4 stars). 2 submissions from 2 submitters: Likely benign (1). 1 of the submissions does not count toward it. Last evaluated 2023-03-06.

Conditions:
PHIP-related disorder. Also called: PHIP-related condition; PHIP-related disorders.

gnomAD v4.1: 2 of 1,602,558 alleles (0.00012%); highest among the groups gnomAD compares: Non-Finnish European, 0.00017%; no homozygotes.

Submissions (2):

Blueprint Genetics
Classification: Likely benign. Last evaluated: 2023-03-06. Review status: criteria provided, single submitter. Criteria: ACMG Guidelines, 2015. Collection method: clinical testing. Allele origin: germline.

PreventionGenetics, part of Exact Sciences
Classification: Likely benign for PHIP-related condition. Last evaluated: 2021-11-02. Review status: no assertion criteria provided. Collection method: clinical testing. Allele origin: germline. Not counted in ClinVar's aggregate classification.
Comment: This variant is classified as likely benign based on ACMG/AMP sequence variant interpretation guidelines (Richards et al. 2015 PMID: 25741868, with internal and published modifications).